The following is an entry in ClinVar:

ClinVar aggregate classification (germline): Uncertain significance. Review status: criteria provided, multiple submitters, no conflicts (2 of 4 stars). 2 submissions from 2 submitters: Uncertain significance (2). Last evaluated 2024-12-19.

Conditions:
Inborn genetic diseases. Identifiers: MedGen C0950123, MeSH D030342.
Mosaic variegated aneuploidy syndrome 2 (MVA2). Identifiers: Orphanet 1052, MedGen C3279843, MONDO:0013582, OMIM 614114.

gnomAD v4.1: 6 of 1,611,968 alleles (0.00037%); highest among the groups gnomAD compares: Middle Eastern, 0.017%; no homozygotes.

Submissions (2):

Ambry Genetics
Classification: Uncertain significance for Inborn genetic diseases. Last evaluated: 2024-12-19. Review status: criteria provided, single submitter. Criteria: Ambry Variant Classification Scheme 2023. Collection method: clinical testing. Allele origin: germline.
Comment: The p.T200N variant (also known as c.599C>A), located in coding exon 5 of the CEP57 gene, results from a C to A substitution at nucleotide position 599. The threonine at codon 200 is replaced by asparagine, an amino acid with similar properties. This amino acid position is conserved. In addition, the in silico prediction for this alteration is inconclusive. Based on the available evidence, the clinical significance of this variant remains unclear.

Labcorp Genetics (formerly Invitae), Labcorp
Classification: Uncertain significance for Mosaic variegated aneuploidy syndrome 2. Last evaluated: 2020-07-01. Review status: criteria provided, single submitter. Criteria: Invitae Variant Classification Sherloc (09022015). Collection method: clinical testing. Allele origin: germline.
Comment: Algorithms developed to predict the effect of missense changes on protein structure and function (SIFT, PolyPhen-2, Align-GVGD) all suggest that this variant is likely to be disruptive, but these predictions have not been confirmed by published functional studies and their clinical significance is uncertain. This sequence change replaces threonine with asparagine at codon 200 of the CEP57 protein (p.Thr200Asn). The threonine residue is highly conserved and there is a small physicochemical difference between threonine and asparagine. This variant is present in population databases (rs757212650, ExAC 0.009%). This variant has not been reported in the literature in individuals with CEP57-related conditions. In summary, the available evidence is currently insufficient to determine the role of this variant in disease. Therefore, it has been classified as a Variant of Uncertain Significance.

NM_014679.5(CEP57):c.599C>A (p.Thr200Asn)

Gene: CEP57 (centrosomal protein 57; plus strand). Cytogenetic location: 11q21.
Variant type: single nucleotide variant.
Coding change: c.599C>A on transcript NM_014679.5 (MANE Select); coding-DNA position 599, C replaced by A.
Protein change: p.Thr200Asn; replaces threonine 200 with asparagine.
Molecular consequence: missense variant.
Genome position (GRCh38, 1-based): chr11:95,817,881, C>A. VCF-style: chr11-95817881-C-A. GRCh37 (hg19) VCF-style: chr11-95551045-C-A.
Other names: c.572C>A, p.Thr191Asn (NM_001243776.2); c.599C>A, p.Thr200Asn (NM_001243777.2); c.518C>A, p.Thr173Asn (NM_001363604.2); c.599C>A (NM_014679.4); short protein forms T173N, T191N, T200N.
Identifiers: ClinVar variation 1017539 (VCV001017539.10), dbSNP rs757212650, ClinGen allele CA6239529.